The following is an entry in ClinVar:

ClinVar aggregate classification (germline): Pathogenic/Likely pathogenic. Review status: criteria provided, multiple submitters, no conflicts (2 of 4 stars). 3 submissions from 3 submitters: Pathogenic (2); Likely pathogenic (1). Last evaluated 2025-10-13.

Conditions:
Breast-ovarian cancer, familial, susceptibility to, 2 (BROVCA2). Also called: BRCA2 Hereditary Breast and Ovarian Cancer. Identifiers: Orphanet 145, MedGen C2675520, MONDO:0012933, OMIM 612555. Disease mechanism: loss of function.
Hereditary cancer-predisposing syndrome. Also called: Neoplastic Syndromes, Hereditary; Hereditary neoplastic syndrome; Tumor predisposition; Hereditary Cancer Syndrome. Identifiers: Orphanet 140162, MedGen C0027672, MeSH D009386, MONDO:0015356.

Submissions (3):

Variantyx, Inc.
Classification: Pathogenic for Breast-ovarian cancer, familial, susceptibility to, 2. Last evaluated: 2025-10-13. Review status: criteria provided, single submitter. Criteria: Variantyx Assertion Criteria 2022. Collection method: clinical testing. Allele origin: germline. Inheritance: Autosomal dominant inheritance. Affected: yes.
Comment: This is a frameshift variant in the BRCA2 gene (OMIM: 600185). Pathogenic variants in this gene have been associated with autosomal dominant BRCA2-related disorders. This variant introduces a premature termination codon in exon 11 out of 27 and is expected to result in loss of function, which is a known disease mechanism for BRCA2 in this disorder (PMID: 20301425) (PVS1). Multiple lines of functional and clinical evidence defined exon-specific weights for PTC in BRCA2 and have shown evidence ofpathogenicity in this variant in exon 11 (ClinGen) (PM5_Strong). It is absent from control populations (PM2). Based on the current evidence, this variant is classified as pathogenic for autosomal dominant BRCA2-related disorders.

Ambry Genetics
Classification: Pathogenic for Hereditary cancer-predisposing syndrome. Last evaluated: 2022-09-15. Review status: criteria provided, single submitter. Criteria: Ambry Variant Classification Scheme 2023. Collection method: clinical testing. Allele origin: germline.
Comment: The c.5963dupT pathogenic mutation, located in coding exon 10 of the BRCA2 gene, results from a duplication of T at nucleotide position 5963, causing a translational frameshift with a predicted alternate stop codon (p.S1989Ifs*14). This variant is considered to be rare based on population cohorts in the Genome Aggregation Database (gnomAD). This alteration is expected to result in loss of function by premature protein truncation or nonsense-mediated mRNA decay. As such, this alteration is interpreted as a disease-causing mutation.

Quest Diagnostics Nichols Institute San Juan Capistrano
Classification: Likely pathogenic. Last evaluated: 2019-09-05. Review status: criteria provided, single submitter. Criteria: Quest Diagnostics criteria. Collection method: clinical testing. Allele origin: unknown.
Comment: The variant creates a premature nonsense codon, and is therefore predicted to result in the loss of a functional protein. Not found in the total gnomAD dataset, and the data is high quality.

Literature cited by the submitters: PubMed 20301425 (cited by Variantyx, Inc.).

NM_000059.4(BRCA2):c.5963dup (p.Ser1989fs)

Gene: BRCA2 (BRCA2 DNA repair associated; plus strand). Cytogenetic location: 13q13.1.
Variant type: Duplication.
Coding change: c.5963dup on transcript NM_000059.4 (MANE Select); coding-DNA position 5963, one base duplicated (T; older notation c.5963dupT).
Protein change: p.Ser1989fs; shifts the reading frame from serine 1989.
Molecular consequence: frameshift variant.
Genome position (GRCh38, 1-based): chr13:32,340,318, T duplicated. VCF-style (leftmost placement, unchanged base first): chr13-32340317-G-GT. GRCh37 (hg19) VCF-style: chr13-32914454-G-GT.
Other names: c.5963dupT (NM_000059.3); short protein forms S1989fs.
Identifiers: ClinVar variation 993095 (VCV000993095.4), dbSNP rs2072542766, ClinGen allele CA1139663229.